The following is an entry in ClinVar:

ClinVar aggregate classification (germline): Uncertain significance. Review status: criteria provided, multiple submitters, no conflicts (2 of 4 stars). 2 submissions from 2 submitters: Uncertain significance (2). Last evaluated 2025-07-15.

Conditions:
Inborn genetic diseases. Identifiers: MedGen C0950123, MeSH D030342.
Primary ciliary dyskinesia 35. Also called: CILIARY DYSKINESIA, PRIMARY, 35, WITH OR WITHOUT SITUS INVERSUS. Identifiers: Orphanet 244, MedGen C4310721, MONDO:0014910, OMIM 617092.

Allele frequency attached by ClinVar (database versions not stated): gnomAD exomes below 0.00001 and 0.00001; ExAC 0.00001; gnomAD 0.00001; TOPMed 0.00002.

Submissions (2):

Ambry Genetics
Classification: Uncertain significance for Inborn genetic diseases. Last evaluated: 2025-07-15. Review status: criteria provided, single submitter. Criteria: Ambry Variant Classification Scheme 2023. Collection method: clinical testing. Allele origin: germline.

Baylor Genetics
Classification: Uncertain significance for Primary ciliary dyskinesia 35. Last evaluated: 2018-07-30. Review status: criteria provided, single submitter. Criteria: ACMG Guidelines, 2015. Collection method: clinical testing. Allele origin: paternal. Affected: yes.
Comment: This variant was determined to be of uncertain significance according to ACMG Guidelines, 2015 [PMID:25741868].

NM_031421.5(ODAD4):c.340C>T (p.Arg114Trp)

Gene: ODAD4 (outer dynein arm docking complex subunit 4; plus strand). Cytogenetic location: 17q21.2.
Variant type: single nucleotide variant.
Coding change: c.340C>T on transcript NM_031421.5 (MANE Select); coding-DNA position 340, C replaced by T.
Protein change: p.Arg114Trp; replaces arginine 114 with tryptophan.
Molecular consequence: missense variant. On other transcripts: non-coding transcript variant (1).
Genome position (GRCh38, 1-based): chr17:41,935,692, C>T. VCF-style: chr17-41935692-C-T. GRCh37 (hg19) VCF-style: chr17-40091945-C-T.
Other names: c.340C>T, p.Arg114Trp (NM_001350319.2); short protein forms R114W.
Identifiers: ClinVar variation 1034109 (VCV001034109.2), dbSNP rs781926645, ClinGen allele CA8568968.